The following is an entry in ClinVar:

NM_006662.3(SRCAP):c.3074G>A (p.Arg1025Gln)

Gene: SRCAP (Snf2 related CREBBP activator protein; plus strand). Cytogenetic location: 16p11.2.
Variant type: single nucleotide variant.
Coding change: c.3074G>A on transcript NM_006662.3 (MANE Select); coding-DNA position 3074, G replaced by A.
Protein change: p.Arg1025Gln; replaces arginine 1025 with glutamine.
Molecular consequence: missense variant.
Genome position (GRCh38, 1-based): chr16:30,720,799, G>A. VCF-style: chr16-30720799-G-A. GRCh37 (hg19) VCF-style: chr16-30732120-G-A.
Other names: short protein forms R1025Q.
Identifiers: ClinVar variation 4748066 (VCV004748066.1).
Genomic context (GRCh38, chr16:30,720,799, plus strand): 5'-AAGGCCGGACAGTGGTGGTGGTGAACAACCCACGGGCGCCCCTGGGCCCTGTCCCAGTTC[G>A]ACCTCCTCCAGGTCCTGAGCTCTCAGCCCAGCCCACCCCTGGCCCAGTCCCCCAAGTGCT-3'
Protein context (NP_006653.2, residues 1015-1035): PRAPLGPVPV[Arg1025Gln]PPPGPELSAQ

ClinVar aggregate classification (germline): Uncertain significance (1 of 4 stars; one submission).

gnomAD v4.1: 81 of 1,613,954 alleles (0.005%); highest among the groups gnomAD compares: Non-Finnish European, 0.0064%; no homozygotes.

Submission:

Labcorp Genetics (formerly Invitae), Labcorp
Classification: Uncertain significance. Last evaluated: 2025-03-30. Review status: criteria provided, single submitter. Criteria: Invitae Variant Classification Sherloc (09022015). Collection method: clinical testing. Allele origin: germline.
Comment: This sequence change replaces arginine, which is basic and polar, with glutamine, which is neutral and polar, at codon 1025 of the SRCAP protein (p.Arg1025Gln). This variant is present in population databases (rs759562978, gnomAD 0.003%). This variant has not been reported in the literature in individuals affected with SRCAP-related conditions. Invitae Evidence Modeling of protein sequence and biophysical properties (such as structural, functional, and spatial information, amino acid conservation, physicochemical variation, residue mobility, and thermodynamic stability) indicates that this missense variant is not expected to disrupt SRCAP protein function with a negative predictive value of 80%. In summary, the available evidence is currently insufficient to determine the role of this variant in disease. Therefore, it has been classified as a Variant of Uncertain Significance.